The following is an entry in ClinVar:

ClinVar aggregate classification (germline): Likely benign (1 of 4 stars; one submission).

Submission:

GeneDx
Classification: Likely benign. Last evaluated: 2018-03-29. Review status: criteria provided, single submitter. Criteria: GeneDx Variant Classification (06012015). Collection method: clinical testing. Allele origin: germline. Affected: yes.
Comment: This variant is considered likely benign or benign based on one or more of the following criteria: it is a conservative change, it occurs at a poorly conserved position in the protein, it is predicted to be benign by multiple in silico algorithms, and/or has population frequency not consistent with disease.

NM_014709.4(USP34):c.4832+6C>T

Gene: USP34 (ubiquitin specific peptidase 34; minus strand). Cytogenetic location: 2p15.
Variant type: single nucleotide variant.
Coding change: c.4832+6C>T on transcript NM_014709.4 (MANE Select); 6 bases into the intron after coding-DNA position 4832, C replaced by T.
Molecular consequence: intron variant.
Genome position (GRCh38, 1-based): chr2:61,284,869, G>A on the plus strand (C>T on the coding strand, the complement: USP34 is on the minus strand). VCF-style: chr2-61284869-G-A. GRCh37 (hg19) VCF-style: chr2-61512004-G-A.
Identifiers: ClinVar variation 680903 (VCV000680903.1), dbSNP rs1572900171, ClinGen allele CA915943999.